The following is an entry in ClinVar:

NM_004333.6(BRAF):c.80_88del (p.Ala27_Ala29del)

Gene: BRAF (B-Raf proto-oncogene, serine/threonine kinase; minus strand). Cytogenetic location: 7q34.
Variant type: Deletion.
Coding change: c.80_88del on transcript NM_004333.6 (MANE Select); coding-DNA positions 80 to 88, 9 bases deleted (CCGGCGCCG; older notation c.80_88delCCGGCGCCG).
Protein change: p.Ala27_Ala29del.
Molecular consequence: inframe deletion.
Genome position (GRCh38, 1-based): chr7:140,924,616-140,924,624, CGGCGCCGG deleted on the plus strand (CCGGCGCCG on the coding strand, the reverse complement: BRAF is on the minus strand); deleting any 9 consecutive bases within chr7:140,924,616-140,924,625 gives the same sequence; the c. name uses the placement nearest the transcript's 3' end. VCF-style (leftmost placement, unchanged base first): chr7-140924615-CCGGCGCCGG-C. GRCh37 (hg19) VCF-style: chr7-140624415-CCGGCGCCGG-C.
Other names: c.80_88del, p.Ala27_Ala29del (NM_001354609.2, NM_001374244.1, NM_001374258.1 and 7 more transcripts).
Identifiers: ClinVar variation 2908485 (VCV002908485.3), dbSNP rs2536967469, ClinGen allele CA2685246762.

ClinVar aggregate classification (germline): Uncertain significance (1 of 4 stars; one submission).

Conditions:
RASopathy. Also called: Noonan spectrum disorder; rasopathies. Identifiers: Orphanet 536391, MedGen C5555857, MONDO:0021060.

Submission:

Labcorp Genetics (formerly Invitae), Labcorp
Classification: Uncertain significance for RASopathy. Last evaluated: 2025-01-23. Review status: criteria provided, single submitter. Criteria: Invitae Variant Classification Sherloc (09022015). Collection method: clinical testing. Allele origin: germline.
Comment: This variant, c.80_88del, results in the deletion of 3 amino acid(s) of the BRAF protein (p.Ala27_Ala29del), but otherwise preserves the integrity of the reading frame. This variant is not present in population databases (gnomAD no frequency). This variant has not been reported in the literature in individuals affected with BRAF-related conditions. ClinVar contains an entry for this variant (Variation ID: 2908485). Experimental studies and prediction algorithms are not available or were not evaluated, and the functional significance of this variant is currently unknown. In summary, the available evidence is currently insufficient to determine the role of this variant in disease. Therefore, it has been classified as a Variant of Uncertain Significance.